The following is an entry in ClinVar:

ClinVar aggregate classification (germline): Uncertain significance (1 of 4 stars; one submission).

Allele frequency attached by ClinVar (database versions not stated): gnomAD exomes below 0.00001; ExAC 0.00001.
gnomAD v4.1: 2 of 1,613,916 alleles (0.00012%); highest among the groups gnomAD compares: Non-Finnish European, 0.00017%; no homozygotes.

Submission:

Labcorp Genetics (formerly Invitae), Labcorp
Classification: Uncertain significance. Last evaluated: 2021-09-29. Review status: criteria provided, single submitter. Criteria: Invitae Variant Classification Sherloc (09022015). Collection method: clinical testing. Allele origin: germline.
Comment: In summary, the available evidence is currently insufficient to determine the role of this variant in disease. Therefore, it has been classified as a Variant of Uncertain Significance. Algorithms developed to predict the effect of missense changes on protein structure and function are either unavailable or do not agree on the potential impact of this missense change (SIFT: "Tolerated"; PolyPhen-2: "Possibly Damaging"; Align-GVGD: "Class C0"). This variant has not been reported in the literature in individuals affected with TBX20-related conditions. This variant is present in population databases (rs768119874, ExAC 0.002%). This sequence change replaces arginine with proline at codon 392 of the TBX20 protein (p.Arg392Pro). The arginine residue is moderately conserved and there is a moderate physicochemical difference between arginine and proline.

NM_001077653.2(TBX20):c.1175G>C (p.Arg392Pro)

Gene: TBX20 (T-box transcription factor 20; minus strand). Cytogenetic location: 7p14.2.
Variant type: single nucleotide variant.
Coding change: c.1175G>C on transcript NM_001077653.2 (MANE Select); coding-DNA position 1175, G replaced by C.
Protein change: p.Arg392Pro; replaces arginine 392 with proline.
Molecular consequence: missense variant.
Genome position (GRCh38, 1-based): chr7:35,202,599, C>G on the plus strand (G>C on the coding strand, the complement: TBX20 is on the minus strand). VCF-style: chr7-35202599-C-G. GRCh37 (hg19) VCF-style: chr7-35242211-C-G.
Other names: short protein forms R392P.
Identifiers: ClinVar variation 1508029 (VCV001508029.6), dbSNP rs768119874, ClinGen allele CA4217346.
Genomic context (GRCh38, chr7:35,202,599, plus strand): 5'-GTGGGGCCACTCCCTTGCATGGAGCTGGCAATGGCCGATGGTGTCAGAGGCATTCCCAGT[C>G]GGCTATATGGTGGCAGAGAACCCTGGATGGGGTGAGGAATGGGTGTTGCTATGGATGCTG-3'
Protein context (NP_001071121.1, residues 382-402): PIQGSLPPYS[Arg392Pro]LGMPLTPSAI